The following is an entry in ClinVar:

ClinVar aggregate classification (germline): Pathogenic (1 of 4 stars; one submission).

Conditions:
Neurofibromatosis, type 1 (NF1). Also called: Peripheral type neurofibromatosis; VON RECKLINGHAUSEN DISEASE; NEUROFIBROMATOSIS, TYPE I, SOMATIC; Neurofibromatosis, type I. Identifiers: Orphanet 636, MedGen C0027831, MONDO:0018975, OMIM 162200. Disease mechanism: loss of function.

Submission:

Labcorp Genetics (formerly Invitae), Labcorp
Classification: Pathogenic for Neurofibromatosis, type 1. Last evaluated: 2021-10-11. Review status: criteria provided, single submitter. Criteria: Invitae Variant Classification Sherloc (09022015). Collection method: clinical testing. Allele origin: germline.
Comment: This variant is not present in population databases (ExAC no frequency). For these reasons, this variant has been classified as Pathogenic. Advanced modeling of protein sequence and biophysical properties (such as structural, functional, and spatial information, amino acid conservation, physicochemical variation, residue mobility, and thermodynamic stability) performed at Invitae indicates that this missense variant is expected to disrupt NF1 protein function. This missense change has been observed in individual(s) with clinical features of neurofibromatosis type 1 (PMID: 16405917; Invitae). In at least one individual the variant was observed to be de novo. This sequence change replaces leucine with proline at codon 2082 of the NF1 protein (p.Leu2082Pro). The leucine residue is moderately conserved and there is a moderate physicochemical difference between leucine and proline.

Literature cited by the submitters: PubMed 16405917.

NM_001042492.3(NF1):c.6308T>C (p.Leu2103Pro)

Gene: NF1 (neurofibromin 1; plus strand). Cytogenetic location: 17q11.2.
Variant type: single nucleotide variant.
Coding change: c.6308T>C on transcript NM_001042492.3 (MANE Select); coding-DNA position 6308, T replaced by C.
Protein change: p.Leu2103Pro; replaces leucine 2103 with proline.
Molecular consequence: missense variant.
Genome position (GRCh38, 1-based): chr17:31,336,795, T>C. VCF-style: chr17-31336795-T-C. GRCh37 (hg19) VCF-style: chr17-29663813-T-C.
Other names: c.6245T>C, p.Leu2082Pro (NM_000267.4); short protein forms L2082P, L2103P.
Identifiers: ClinVar variation 1432232 (VCV001432232.6), dbSNP rs2069687450, ClinGen allele CA399012257.